The following is an entry in ClinVar:

ClinVar aggregate classification (germline): Conflicting classifications of pathogenicity. Review status: criteria provided, conflicting classifications (1 of 4 stars). 5 submissions from 5 submitters: Uncertain significance (2); Likely benign (3). Last evaluated 2024-09-25.

Conditions:
Hereditary cancer-predisposing syndrome. Also called: Neoplastic Syndromes, Hereditary; Hereditary Cancer Syndrome; Hereditary neoplastic syndrome; Tumor predisposition. Identifiers: Orphanet 140162, MedGen C0027672, MeSH D009386, MONDO:0015356.
Hereditary breast ovarian cancer syndrome. Also called: Hereditary breast and ovarian cancer syndrome (HBOC); Hereditary breast and ovarian cancer syndrome; Breast and ovarian cancer; Hereditary breast and/or ovarian cancer syndrome; Hereditary breast and ovarian cancer; BRCA1- and BRCA2-Associated Hereditary Breast and Ovarian Cancer. Identifiers: Orphanet 145, MedGen C0677776, MeSH D061325, MONDO:0003582. Disease mechanism: loss of function.

Allele frequency attached by ClinVar (database versions not stated): gnomAD exomes below 0.00001.
gnomAD v4.1: 1 of 1,614,152 alleles (0.000062%); highest among the groups gnomAD compares: African/African-American, 0.0013%; no homozygotes.

Submissions (5):

Quest Diagnostics Nichols Institute San Juan Capistrano
Classification: Uncertain significance. Last evaluated: 2024-09-25. Review status: criteria provided, single submitter. Criteria: Quest Diagnostics criteria. Collection method: clinical testing. Allele origin: unknown.
Comment: The BRCA2 c.10127C>G (p.Ser3376*) variant is predicted to cause the premature termination of BRCA2 protein synthesis. However, this variant is located in the terminal exon of the BRCA2 gene and is not expected to result in non-sense mediated decay (NMD). In the published literature, this variant has been reported in individuals with non-small cell lung cancer (PMID: 34632253 (2021)) and prostate cancer (PMID: 36922933 (2022)). This variant has not been reported in large, multi-ethnic general populations (Genome Aggregation Database). Based on the available information, we are unable to determine the clinical significance of this variant.

Labcorp Genetics (formerly Invitae), Labcorp
Classification: Likely benign for Hereditary breast ovarian cancer syndrome. Last evaluated: 2023-09-12. Review status: criteria provided, single submitter. Criteria: Invitae Variant Classification Sherloc (09022015). Collection method: clinical testing. Allele origin: germline.

Ambry Genetics
Classification: Likely benign for Hereditary cancer-predisposing syndrome. Last evaluated: 2018-06-08. Review status: criteria provided, single submitter. Criteria: Ambry Variant Classification Scheme 2023. Collection method: clinical testing. Allele origin: germline.

Color Diagnostics, LLC DBA Color Health
Classification: Likely benign for Hereditary cancer-predisposing syndrome. Last evaluated: 2017-05-24. Review status: criteria provided, single submitter. Criteria: ACMG Guidelines, 2015. Collection method: clinical testing. Allele origin: germline.

Women's Health and Genetics/Laboratory Corporation of America, LabCorp
Classification: Uncertain significance. Last evaluated: 2017-04-14. Review status: criteria provided, single submitter. Criteria: LabCorp Variant Classification Summary - May 2015. Collection method: clinical testing. Allele origin: germline.
Comment: Variant summary: The BRCA2 c.10127C>G (p.Ser3376X) variant results in a premature termination codon, predicted to cause a truncated or absent BRCA2 protein due to nonsense mediated decay, which are commonly known mechanisms for disease. However, this variant is located in the last exon in the gene, and other truncating variants located in this exon upstream of this variant have been classified as VUS or benign by our lab (p.Glu3316fsX2, VUS; p.Lys3326X, benign; p.Glu3342X, VUS; p.Ser3366fsX4, benign). One in silico tool predicts a damaging outcome for this variant. This variant is absent in 121162 control chromosomes. The variant of interest has not, to our knowledge, been reported in affected individuals via publications and/or reputable databases/clinical diagnostic laboratories; nor evaluated for functional impact by in vivo/vitro studies. Taken together, the functional significance of this truncating variant located in the last exon is unknown, therefore it has been classified as a VUS until additional evidence becomes available.

Literature cited by the submitters: PubMed 36922933 (cited by Quest Diagnostics Nichols Institute San Juan Capistrano); PubMed 34632253 (cited by Quest Diagnostics Nichols Institute San Juan Capistrano).

NM_000059.4(BRCA2):c.10127C>G (p.Ser3376Ter)

Gene: BRCA2 (BRCA2 DNA repair associated; plus strand). Cytogenetic location: 13q13.1.
Variant type: single nucleotide variant.
Coding change: c.10127C>G on transcript NM_000059.4 (MANE Select); coding-DNA position 10127, C replaced by G.
Protein change: p.Ser3376Ter; replaces serine 3376 with a stop codon.
Molecular consequence: nonsense.
Genome position (GRCh38, 1-based): chr13:32,398,640, C>G. VCF-style: chr13-32398640-C-G. GRCh37 (hg19) VCF-style: chr13-32972777-C-G.
Other names: short protein forms S3376*.
Identifiers: ClinVar variation 462219 (VCV000462219.19), dbSNP rs1555290049, ClinGen allele CA387768086.